The following is an entry in ClinVar:

NM_020070.4(IGLL1):c.196C>T (p.Arg66Trp)

Gene: IGLL1 (immunoglobulin lambda like polypeptide 1; minus strand). Cytogenetic location: 22q11.23.
Variant type: single nucleotide variant.
Coding change: c.196C>T on transcript NM_020070.4 (MANE Select); coding-DNA position 196, C replaced by T.
Protein change: p.Arg66Trp; replaces arginine 66 with tryptophan.
Molecular consequence: missense variant.
Genome position (GRCh38, 1-based): chr22:23,579,995, G>A on the plus strand (C>T on the coding strand, the complement: IGLL1 is on the minus strand). VCF-style: chr22-23579995-G-A. GRCh37 (hg19) VCF-style: chr22-23922182-G-A.
Other names: c.196C>T, p.Arg66Trp (NM_001369906.1, NM_152855.3); short protein forms R66W.
Identifiers: ClinVar variation 2741575 (VCV002741575.4), dbSNP rs762686953, ClinGen allele CA10143412.
Genomic context (GRCh38, chr22:23,579,995, plus strand): 5'-CGCCTCTGCCACCCAGACCCCCACATCCCCTGGAATCTCTCACCCCTTACCTGCCCCACC[G>A]GCTCCTCAGGCTGGACCGGCTGCTTCCTCCAGGGGCTCCAGGGCCCAGGGCCCTGCTCTG-3'
Protein context (NP_064455.1, residues 56-76): GGSSRSSLRS[Arg66Trp]WGRFLLQRGS

ClinVar aggregate classification (germline): Uncertain significance. Review status: criteria provided, multiple submitters, no conflicts (2 of 4 stars). 2 submissions from 2 submitters: Uncertain significance (2). Last evaluated 2025-12-30.

Conditions:
Agammaglobulinemia 2, autosomal recessive (AGM2). Also called: AGAMMAGLOBULINEMIA, AUTOSOMAL RECESSIVE, DUE TO IGLL1 DEFECT. Identifiers: MedGen C3150750, MONDO:0013287, OMIM 613500.

gnomAD v4.1: 21 of 1,581,206 alleles (0.0013%); highest among the groups gnomAD compares: Admixed American, 0.0035%; no homozygotes.

Submissions (2):

Labcorp Genetics (formerly Invitae), Labcorp
Classification: Uncertain significance for Agammaglobulinemia 2, autosomal recessive. Last evaluated: 2025-12-30. Review status: criteria provided, single submitter. Criteria: Invitae Variant Classification Sherloc (09022015). Collection method: clinical testing. Allele origin: germline.
Comment: This sequence change replaces arginine, which is basic and polar, with tryptophan, which is neutral and slightly polar, at codon 66 of the IGLL1 protein (p.Arg66Trp). The frequency data for this variant in the population databases is considered unreliable, as metrics indicate poor data quality at this position in the gnomAD database. This variant has not been reported in the literature in individuals affected with IGLL1-related conditions. ClinVar contains an entry for this variant (Variation ID: 2741575). An algorithm developed to predict the effect of missense changes on protein structure and function (PolyPhen-2) suggests that this variant is likely to be tolerated. In summary, the available evidence is currently insufficient to determine the role of this variant in disease. Therefore, it has been classified as a Variant of Uncertain Significance.

Ambry Genetics
Classification: Uncertain significance. Last evaluated: 2025-08-03. Review status: criteria provided, single submitter. Criteria: Ambry Variant Classification Scheme 2023. Collection method: clinical testing. Allele origin: germline.